The following is an entry in ClinVar:

ClinVar aggregate classification (germline): Uncertain significance (1 of 4 stars; one submission).

Allele frequency attached by ClinVar (database versions not stated): gnomAD 0.00001; gnomAD exomes 0.00001; TOPMed 0.00001; ExAC 0.00002; ESP Exome Variant Server 0.00008.
gnomAD v4.1: 15 of 1,613,642 alleles (0.00093%); highest among the groups gnomAD compares: Admixed American, 0.0033%; no homozygotes.

Submission:

Labcorp Genetics (formerly Invitae), Labcorp
Classification: Uncertain significance. Last evaluated: 2022-11-28. Review status: criteria provided, single submitter. Criteria: Invitae Variant Classification Sherloc (09022015). Collection method: clinical testing. Allele origin: germline.
Comment: This sequence change replaces glycine, which is neutral and non-polar, with serine, which is neutral and polar, at codon 699 of the ADAMTS18 protein (p.Gly699Ser). This variant is present in population databases (rs142855321, gnomAD 0.007%). This variant has not been reported in the literature in individuals affected with ADAMTS18-related conditions. ClinVar contains an entry for this variant (Variation ID: 853192). Algorithms developed to predict the effect of missense changes on protein structure and function output the following: SIFT: "Not Available"; PolyPhen-2: "Benign"; Align-GVGD: "Not Available". The serine amino acid residue is found in multiple mammalian species, which suggests that this missense change does not adversely affect protein function. In summary, the available evidence is currently insufficient to determine the role of this variant in disease. Therefore, it has been classified as a Variant of Uncertain Significance.

NM_199355.4(ADAMTS18):c.2095G>A (p.Gly699Ser)

Gene: ADAMTS18 (ADAM metallopeptidase with thrombospondin type 1 motif 18; minus strand). Cytogenetic location: 16q23.1.
Variant type: single nucleotide variant.
Coding change: c.2095G>A on transcript NM_199355.4 (MANE Select); coding-DNA position 2095, G replaced by A.
Protein change: p.Gly699Ser; replaces glycine 699 with serine.
Molecular consequence: missense variant.
Genome position (GRCh38, 1-based): chr16:77,322,404, C>T on the plus strand (G>A on the coding strand, the complement: ADAMTS18 is on the minus strand). VCF-style: chr16-77322404-C-T. GRCh37 (hg19) VCF-style: chr16-77356301-C-T.
Other names: c.1579G>A, p.Gly527Ser (NM_001326358.2); short protein forms G699S, G527S.
Identifiers: ClinVar variation 853192 (VCV000853192.9), dbSNP rs142855321, ClinGen allele CA8181049.